The following is an entry in ClinVar:

ClinVar aggregate classification (germline): Likely pathogenic. Review status: reviewed by expert panel (3 of 4 stars). 4 submissions from 4 submitters: Likely pathogenic (1). 3 of the submissions do not count toward it. Last evaluated 2022-04-06.

Conditions:
Very long chain acyl-CoA dehydrogenase deficiency (ACADVLD). Also called: Very Long-Chain Acyl-Coenzyme A Dehydrogenase Deficiency; VLCAD Deficiency. Identifiers: Orphanet 26793, MedGen C3887523, MONDO:0008723, OMIM 201475.

Submissions (4):

ClinGen ACADVL Variant Curation Expert Panel, ClinGen
Classification: Likely pathogenic for Very long chain acyl-CoA dehydrogenase deficiency. Last evaluated: 2022-04-06. Review status: reviewed by expert panel. Criteria: clingen acadvl acmg specifications v1. Collection method: curation. Allele origin: germline. Inheritance: Autosomal recessive inheritance.
Comment: The c.103_112del (p.(Pro35Glyfs*23)) (NM_000018.4) variant in ACADVL is a frameshift variant predicted to cause a premature stop codon in biologically-relevant-exon 2/20 leading to nonsense mediated decay in a gene in which loss-of-function is an established disease mechanism (PVS1; PMIDs: 9973285, 11590124). This variant is absent from gnomAD 2.1.1 (PM2_Supporting). To our knowledge, functional assays have not been reported for this variant. To our knowledge, this variant has not been reported in the literature in any individuals with VLCADD. In summary, this variant has been classified as likely pathogenic for autosomal recessive very long chain acyl-CoA dehydrogenase deficiency based on the ACMG/AMP criteria applied, as specified by the ClinGen ACADVL Curation Expert Panel: PVS1, PM2_Supporting (ACADVL VCEP specifications v2.0; Approved on 11/10/2021).

Labcorp Genetics (formerly Invitae), Labcorp
Classification: Pathogenic for Very long chain acyl-CoA dehydrogenase deficiency. Last evaluated: 2023-12-04. Review status: criteria provided, single submitter. Criteria: Invitae Variant Classification Sherloc (09022015). Collection method: clinical testing. Allele origin: germline. Not counted in ClinVar's aggregate classification.
Comment: This sequence change creates a premature translational stop signal (p.Pro35Glyfs*23) in the ACADVL gene. It is expected to result in an absent or disrupted protein product. Loss-of-function variants in ACADVL are known to be pathogenic (PMID: 9973285, 11590124). This variant is not present in population databases (gnomAD no frequency). This variant has not been reported in the literature in individuals affected with ACADVL-related conditions. ClinVar contains an entry for this variant (Variation ID: 541714). For these reasons, this variant has been classified as Pathogenic.

Baylor Genetics
Classification: Pathogenic for Very long chain acyl-CoA dehydrogenase deficiency. Last evaluated: 2023-04-13. Review status: criteria provided, single submitter. Criteria: ACMG Guidelines, 2015. Collection method: clinical testing. Allele origin: unknown. Not counted in ClinVar's aggregate classification.

Natera, Inc.
Classification: Pathogenic for Very long chain acyl-CoA dehydrogenase deficiency. Last evaluated: 2021-08-12. Review status: no assertion criteria provided. Collection method: clinical testing. Allele origin: germline. Not counted in ClinVar's aggregate classification.

Literature cited by the submitters: PubMed 9973285 (cited by Labcorp Genetics (formerly Invitae), Labcorp); PubMed 11590124 (cited by Labcorp Genetics (formerly Invitae), Labcorp).

NM_000018.4(ACADVL):c.103_112del (p.Pro35fs)

Genes: ACADVL (acyl-CoA dehydrogenase very long chain; plus strand), LOC130060113 (ATAC-STARR-seq lymphoblastoid silent region 8088; plus strand). Cytogenetic location: 17p13.1.
Variant type: Deletion.
Coding change: c.103_112del on transcript NM_000018.4 (MANE Select); coding-DNA positions 103 to 112, 10 bases deleted (CCTGCCCGGC; older notation c.103_112delCCTGCCCGGC).
Protein change: p.Pro35fs; shifts the reading frame from proline 35.
Molecular consequence: frameshift variant. On other transcripts: 5 prime UTR variant (1).
Genome position (GRCh38, 1-based): chr17:7,220,162-7,220,171, CCTGCCCGGC deleted; deleting any 10 consecutive bases within chr17:7,220,155-7,220,171 gives the same sequence; the c. name uses the placement nearest the transcript's 3' end. VCF-style (leftmost placement, unchanged base first): chr17-7220154-GGCCCGGCCCT-G. GRCh37 (hg19) VCF-style: chr17-7123473-GGCCCGGCCCT-G.
Other names: NM_000018.4(ACADVL):c.103_112del; p.Pro35fs; c.103_112del, p.Pro35fs (NM_001033859.3); c.172_181del, p.Pro58fs (NM_001270447.2); c.-126_-117del (NM_001270448.2); c.103_112del (NM_000018.3); short protein forms P58fs, P35fs.
Identifiers: ClinVar variation 541714 (VCV000541714.15), dbSNP rs1329022268, ClinGen allele CA658798683.
Genomic context (GRCh38, chr17:7,220,154, plus strand): 5'-GCCGGCACTGAACCCCCACTCCCCACAGCTCGCGGCTCACGGCGCTCCTGGGGCAGCCCC[GGCCCGGCCCT>G]GCCCGGCGGCCCTATGCCGGGGGTGCCGCTCAGGTAAGTCACCGCAGCCTTGGCAAGGGG-3'